The following is an entry in ClinVar:

ClinVar aggregate classification (germline): Pathogenic. Review status: reviewed by expert panel (3 of 4 stars). 36 submissions from 36 submitters: Pathogenic (1). 35 of the submissions do not count toward it. Last evaluated 2016-09-08.

Conditions:
Fanconi anemia, complementation group S (FANCS). Identifiers: MedGen C4554406, MONDO:0054748, OMIM 617883.
Pancreatic cancer, susceptibility to, 4. Identifiers: Orphanet 1333, MedGen C3280442, MONDO:0013685, OMIM 614320.
Breast-ovarian cancer, familial, susceptibility to, 1 (BROVCA1). Also called: BRCA1 Hereditary Breast and Ovarian Cancer; OVARIAN CANCER, SUSCEPTIBILITY TO. Identifiers: Orphanet 145, MedGen C2676676, MONDO:0011450, OMIM 604370. Disease mechanism: loss of function.
Familial cancer of breast. Also called: BREAST CANCER, FAMILIAL; hereditary breast carcinoma; Hereditary breast cancer. Identifiers: Orphanet 227535, MedGen C0346153, MONDO:0016419, OMIM 114480. Disease mechanism: loss of function.
BRCA1-related disorder. Also called: BRCA1-related condition.
Hereditary cancer-predisposing syndrome. Also called: Hereditary Cancer Syndrome; Tumor predisposition; Neoplastic Syndromes, Hereditary; Hereditary neoplastic syndrome. Identifiers: Orphanet 140162, MedGen C0027672, MeSH D009386, MONDO:0015356.
Breast and/or ovarian cancer. Identifiers: MedGen CN221562.
Breast neoplasm. Also called: Breast Neoplasms; Neoplasm of the breast; Neoplasm of breast; Breast tumor. Identifiers: MedGen C1458155, MeSH D001943, MONDO:0021100, HP:0100013. Disease mechanism: gain of function.
Hereditary breast ovarian cancer syndrome. Also called: Breast and ovarian cancer; BRCA1- and BRCA2-Associated Hereditary Breast and Ovarian Cancer; Hereditary breast and ovarian cancer; Hereditary breast and ovarian cancer syndrome (HBOC); Hereditary breast and ovarian cancer syndrome; Hereditary breast and/or ovarian cancer syndrome. Identifiers: Orphanet 145, MedGen C0677776, MeSH D061325, MONDO:0003582. Disease mechanism: loss of function.

Allele frequency attached by ClinVar (database versions not stated): TOPMed below 0.00001; ESP Exome Variant Server 0.00008.
gnomAD v4.1: 5 of 1,613,880 alleles (0.00031%); highest among the groups gnomAD compares: Non-Finnish European, 0.00042%; no homozygotes.

Submissions 1 to 11 of 36:

Evidence-based Network for the Interpretation of Germline Mutant Alleles (ENIGMA)
Classification: Pathogenic for Breast-ovarian cancer, familial, susceptibility to, 1. Last evaluated: 2016-09-08. Review status: reviewed by expert panel. Criteria: ENIGMA BRCA1/2 Classification Criteria (2015). Collection method: curation. Allele origin: germline.
Comment: Variant allele predicted to encode a truncated non-functional protein.

Ambry Genetics
Classification: Pathogenic for Hereditary cancer-predisposing syndrome. Last evaluated: 2026-09-11. Review status: criteria provided, single submitter. Criteria: Ambry Variant Classification Scheme 2023. Collection method: clinical testing. Allele origin: germline. Not counted in ClinVar's aggregate classification.
Comment: The c.2722G>T (p.E908*) alteration, located in exon 10 (coding exon 9) of the BRCA1 gene, consists of a G to T substitution at nucleotide position 2722. This changes the amino acid from a glutamic acid (E) to a stop codon at amino acid position 908. This variant is expected to result in loss of function by premature protein truncation or nonsense-mediated mRNA decay. This variant was not reported in population-based cohorts in the Genome Aggregation Database (gnomAD). This variant was reported in individuals with features consistent with BRCA1-related cancer predisposition (Serova, 1996; Walsh, 2011; Boukerroucha, 2015; De Brakeleer, 2016; Singh, 2018). Based on the available evidence, this alteration is classified as pathogenic.

Dasa
Classification: Pathogenic for Breast-ovarian cancer, familial, susceptibility to, 1. Last evaluated: 2026-04-08. Review status: criteria provided, single submitter. Criteria: DASA Assertion Criteria. Collection method: clinical testing. Allele origin: germline. Not counted in ClinVar's aggregate classification.
Comment: NM_007294.4(BRCA1):c.2722G>T (p.Glu908*) introduces a premature termination codon predicted to result in loss of normal protein function. Loss-of-function is an established mechanism of disease for this gene. The variant is present at low frequency in population datasets. Based on the available data, this variant is classified as pathogenic.

Labcorp Genetics (formerly Invitae), Labcorp
Classification: Pathogenic for Hereditary breast ovarian cancer syndrome. Last evaluated: 2026-01-14. Review status: criteria provided, single submitter. Criteria: Invitae Variant Classification Sherloc (09022015). Collection method: clinical testing. Allele origin: germline. Not counted in ClinVar's aggregate classification.
Comment: This sequence change creates a premature translational stop signal (p.Glu908*) in the BRCA1 gene. It is expected to result in an absent or disrupted protein product. Loss-of-function variants in BRCA1 are known to be pathogenic (PMID: 20104584). This variant is not present in population databases (gnomAD no frequency). This premature translational stop signal has been observed in individual(s) with breast and ovarian cancer and glioblastoma (PMID: 8554067, 19016756, 19949876, 25880076). This variant is also known as 2841G>T. ClinVar contains an entry for this variant (Variation ID: 54657). For these reasons, this variant has been classified as Pathogenic.

Quest Diagnostics Nichols Institute San Juan Capistrano
Classification: Pathogenic. Last evaluated: 2025-09-19. Review status: criteria provided, single submitter. Criteria: Quest Diagnostics criteria. Collection method: clinical testing. Allele origin: unknown. Not counted in ClinVar's aggregate classification.
Comment: The BRCA1 c.2722G>T (p.Glu908*) variant (also known as E908X) causes the premature termination of BRCA1 protein synthesis. This variant has been reported in the published literature in individuals with personal and/or family history of breast and/or ovarian cancer (PMID: 12393792 (2002), 12068003 (2002), 29470806 (2018), 29907814 (2018), 32380732 (2020), 33471991 (2021), see also LOVD, 35625946 (2022), 39733403 (2024)). A functional study demonstrated that this variant had a damaging effect on protein function (PMID: 30209399 (2018)). This variant has not been reported in large, multi-ethnic general populations (Genome Aggregation Database). Based on the available information, this variant is classified as pathogenic.

Color Diagnostics, LLC DBA Color Health
Classification: Pathogenic for Hereditary cancer-predisposing syndrome. Last evaluated: 2025-04-14. Review status: criteria provided, single submitter. Criteria: ACMG Guidelines, 2015. Collection method: clinical testing. Allele origin: germline. Not counted in ClinVar's aggregate classification.
Comment: This variant changes 1 nucleotide in exon 10 of the BRCA1 gene, creating a premature translation stop signal. This variant is expected to result in an absent or non-functional protein product. This variant has been reported in multiple individuals affected with breast cancer, ovarian cancer and glioblastoma (PMID: 19016756, 22006311, 25880076, 26010302, 29470806, 32380732, 33471991, 35625946). This variant has not been identified in the general population by the Genome Aggregation Database (gnomAD). Loss of BRCA1 function is a known mechanism of disease. Based on the available evidence, this variant is classified as Pathogenic.

Center for Genomic Medicine, Rigshospitalet, Copenhagen University Hospital
Classification: Pathogenic. Last evaluated: 2025-03-04. Review status: criteria provided, single submitter. Criteria: ACMG Guidelines, 2015. Collection method: clinical testing. Allele origin: germline. Not counted in ClinVar's aggregate classification.

Molecular Pathology, Peter Maccallum Cancer Centre
Classification: Pathogenic for Breast-ovarian cancer, familial, susceptibility to, 1. Last evaluated: 2024-11-28. Review status: criteria provided, single submitter. Criteria: ACMG Guidelines, 2015. Collection method: clinical testing. Allele origin: germline. Inheritance: Autosomal dominant inheritance. Not counted in ClinVar's aggregate classification.

All of Us Research Program, National Institutes of Health
Classification: Pathogenic for Breast-ovarian cancer, familial, susceptibility to, 1. Last evaluated: 2023-11-20. Review status: criteria provided, single submitter. Criteria: ACMG Guidelines, 2015. Collection method: clinical testing. Allele origin: germline. Inheritance: Autosomal dominant inheritance. Observed: 4 variant alleles, 4 heterozygotes. Not counted in ClinVar's aggregate classification.
Comment: This variant changes 1 nucleotide in exon 10 of the BRCA1 gene, creating a premature translation stop signal. This variant is expected to result in an absent or non-functional protein product. This variant has been reported in multiple individuals affected with breast cancer, ovarian cancer and glioblastoma (PMID: 19016756, 22006311, 25880076, 26010302, 29470806, 32380732, 33471991, 35625946). This variant has not been identified in the general population by the Genome Aggregation Database (gnomAD). Loss of BRCA1 function is a known mechanism of disease. Based on the available evidence, this variant is classified as Pathogenic.

This study involves interpretation of variants in research participants for the purpose of population health screening. Participant phenotype was not available at the time of variant classification. Additional details can be found in publication PMID: 35346344, PMCID: PMC8962531

Baylor Genetics
Classification: Pathogenic for Breast-ovarian cancer, familial, susceptibility to, 1. Last evaluated: 2023-09-24. Review status: criteria provided, single submitter. Criteria: ACMG Guidelines, 2015. Collection method: clinical testing. Allele origin: unknown. Not counted in ClinVar's aggregate classification.

Clinical Genetics Laboratory, Skane University Hospital Lund
Classification: Pathogenic. Last evaluated: 2023-07-05. Review status: criteria provided, single submitter. Criteria: ACMG Guidelines, 2015. Collection method: clinical testing. Allele origin: germline. Affected: yes. Not counted in ClinVar's aggregate classification.

NM_007294.4(BRCA1):c.2722G>T (p.Glu908Ter)

Gene: BRCA1 (BRCA1 DNA repair associated; minus strand). Cytogenetic location: 17q21.31.
Variant type: single nucleotide variant.
Coding change: c.2722G>T on transcript NM_007294.4 (MANE Select); coding-DNA position 2722, G replaced by T.
Protein change: p.Glu908Ter; replaces glutamic acid 908 with a stop codon.
Molecular consequence: nonsense. On other transcripts: intron variant (137).
Genome position (GRCh38, 1-based): chr17:43,092,809, C>A on the plus strand (G>T on the coding strand, the complement: BRCA1 is on the minus strand). VCF-style: chr17-43092809-C-A. GRCh37 (hg19) VCF-style: chr17-41244826-C-A.
Other names: p.E908*:GAA>TAA; 2841G>T; c.2509G>T, p.Glu837Ter (NM_001407571.1, NM_001407915.1, NM_001407916.1 and 9 more transcripts); c.2722G>T, p.Glu908Ter (NM_001407581.1, NM_001407582.1, NM_001407583.1 and 30 more transcripts); c.2719G>T, p.Glu907Ter (NM_001407587.1, NM_001407590.1, NM_001407591.1 and 22 more transcripts); c.2644G>T, p.Glu882Ter (NM_001407653.1, NM_001407654.1, NM_001407655.1 and 4 more transcripts); c.2641G>T, p.Glu881Ter (NM_001407659.1, NM_001407660.1, NM_001407661.1 and 1 more transcripts); c.2596G>T, p.Glu866Ter (NM_001407671.1, NM_001407672.1, NM_001407673.1 and 11 more transcripts); and 43 more; short protein forms E908*, E861*, E740*, E781*, E837*, E840*, E907*, E796*.
Identifiers: ClinVar variation 54657 (VCV000054657.82), dbSNP rs80356978, ClinGen allele CA001792.